The following is an entry in ClinVar:

ClinVar aggregate classification (germline): Uncertain significance. Review status: criteria provided, multiple submitters, no conflicts (2 of 4 stars). 3 submissions from 3 submitters: Uncertain significance (3). Last evaluated 2025-07-19.

Conditions:
TUB-related disorder. Also called: TUB-related condition.

Allele frequency attached by ClinVar (database versions not stated): gnomAD exomes 0.00001 and 0.00002; ExAC 0.00002; gnomAD 0.00002 and 0.00003; TOPMed 0.00003.
gnomAD v4.1: 28 of 1,614,122 alleles (0.0017%); highest among the groups gnomAD compares: African/African-American, 0.0053%; no homozygotes.

Submissions (3):

PreventionGenetics, part of Exact Sciences
Classification: Uncertain significance for TUB-related condition. Last evaluated: 2025-07-19. Review status: criteria provided, single submitter. Criteria: ACMG Guidelines, 2015. Collection method: clinical testing. Allele origin: germline.
Comment: The TUB c.1642G>A variant is predicted to result in the amino acid substitution p.Ala548Thr. To our knowledge, this variant has not been reported in the literature. This variant is reported in 0.0040% of alleles in individuals of African descent in gnomAD. At this time, the clinical significance of this variant is uncertain due to the absence of conclusive functional and genetic evidence.

Ambry Genetics
Classification: Uncertain significance. Last evaluated: 2023-05-24. Review status: criteria provided, single submitter. Criteria: Ambry Variant Classification Scheme 2023. Collection method: clinical testing. Allele origin: germline.

Labcorp Genetics (formerly Invitae), Labcorp
Classification: Uncertain significance. Last evaluated: 2021-11-16. Review status: criteria provided, single submitter. Criteria: Invitae Variant Classification Sherloc (09022015). Collection method: clinical testing. Allele origin: germline.
Comment: This sequence change replaces alanine, which is neutral and non-polar, with threonine, which is neutral and polar, at codon 548 of the TUB protein (p.Ala548Thr). This variant is present in population databases (rs764350216, gnomAD 0.004%). This variant has not been reported in the literature in individuals affected with TUB-related conditions. Algorithms developed to predict the effect of missense changes on protein structure and function are either unavailable or do not agree on the potential impact of this missense change (SIFT: "Deleterious"; PolyPhen-2: "Possibly Damaging"; Align-GVGD: "Class C0"). In summary, the available evidence is currently insufficient to determine the role of this variant in disease. Therefore, it has been classified as a Variant of Uncertain Significance.

NM_177972.3(TUB):c.1477G>A (p.Ala493Thr)

Genes: RIC3 (RIC3 acetylcholine receptor chaperone; minus strand), TUB (TUB bipartite transcription factor; plus strand). Cytogenetic location: 11p15.4.
Variant type: single nucleotide variant.
Coding change: c.1477G>A on transcript NM_177972.3 (MANE Select); coding-DNA position 1477, G replaced by A.
Protein change: p.Ala493Thr; replaces alanine 493 with threonine.
Molecular consequence: missense variant.
Genome position (GRCh38, 1-based): chr11:8,101,575, G>A. VCF-style: chr11-8101575-G-A. GRCh37 (hg19) VCF-style: chr11-8123122-G-A.
Other names: c.1642G>A, p.Ala548Thr (NM_003320.5); c.1642G>A (NM_003320.4); short protein forms A493T, A548T.
Identifiers: ClinVar variation 1381162 (VCV001381162.5), dbSNP rs764350216, ClinGen allele CA5871529.